The following is an entry in ClinVar:

NM_022051.3(EGLN1):c.430C>T (p.Pro144Ser)

Gene: EGLN1 (egl-9 family hypoxia inducible factor 1; minus strand). Cytogenetic location: 1q42.2.
Variant type: single nucleotide variant.
Coding change: c.430C>T on transcript NM_022051.3 (MANE Select); coding-DNA position 430, C replaced by T.
Protein change: p.Pro144Ser; replaces proline 144 with serine.
Molecular consequence: missense variant.
Genome position (GRCh38, 1-based): chr1:231,421,459, G>A on the plus strand (C>T on the coding strand, the complement: EGLN1 is on the minus strand). VCF-style: chr1-231421459-G-A. GRCh37 (hg19) VCF-style: chr1-231557205-G-A.
Other names: c.430C>T, p.Pro144Ser (NM_001377260.1, NM_001377261.1); short protein forms P144S.
Identifiers: ClinVar variation 1739615 (VCV001739615.3), dbSNP rs1280185729, ClinGen allele CA345237064.

ClinVar aggregate classification (germline): Uncertain significance (1 of 4 stars; one submission).

gnomAD v4.1: 4 of 1,472,262 alleles (0.00027%); highest among the groups gnomAD compares: Non-Finnish European, 0.00036%; no homozygotes.

Submission:

Ambry Genetics
Classification: Uncertain significance. Last evaluated: 2025-02-23. Review status: criteria provided, single submitter. Criteria: Ambry Variant Classification Scheme 2023. Collection method: clinical testing. Allele origin: germline.
Comment: The p.P144S variant (also known as c.430C>T), located in coding exon 1 of the EGLN1 gene, results from a C to T substitution at nucleotide position 430. The proline at codon 144 is replaced by serine, an amino acid with similar properties. This amino acid position is conserved. In addition, this alteration is predicted to be tolerated by in silico analysis. Since supporting evidence is limited at this time, the clinical significance of this alteration remains unclear.